The following is an entry in ClinVar:

ClinVar aggregate classification (germline): Uncertain significance (1 of 4 stars; one submission).

Allele frequency attached by ClinVar (database versions not stated): gnomAD exomes below 0.00001.
gnomAD v4.1: 4 of 1,613,172 alleles (0.00025%); highest among the groups gnomAD compares: Middle Eastern, 0.017%; no homozygotes.

Submission:

Labcorp Genetics (formerly Invitae), Labcorp
Classification: Uncertain significance. Last evaluated: 2020-09-09. Review status: criteria provided, single submitter. Criteria: Invitae Variant Classification Sherloc (09022015). Collection method: clinical testing. Allele origin: germline.
Comment: This sequence change replaces cysteine with arginine at codon 129 of the SAMD11 protein (p.Cys129Arg). The cysteine residue is moderately conserved and there is a large physicochemical difference between cysteine and arginine. This variant is not present in population databases (ExAC no frequency). This variant has not been reported in the literature in individuals with SAMD11-related conditions. Algorithms developed to predict the effect of missense changes on protein structure and function are either unavailable or do not agree on the potential impact of this missense change (SIFT: "Deleterious"; PolyPhen-2: "Possibly Damaging"; Align-GVGD: "Class C0"). In summary, the available evidence is currently insufficient to determine the role of this variant in disease. Therefore, it has been classified as a Variant of Uncertain Significance.

NM_001385641.1(SAMD11):c.922T>C (p.Cys308Arg)

Gene: SAMD11 (sterile alpha motif domain containing 11; plus strand). Cytogenetic location: 1p36.33.
Variant type: single nucleotide variant.
Coding change: c.922T>C on transcript NM_001385641.1 (MANE Select); coding-DNA position 922, T replaced by C.
Protein change: p.Cys308Arg; replaces cysteine 308 with arginine.
Molecular consequence: missense variant.
Genome position (GRCh38, 1-based): chr1:935,851, T>C. VCF-style: chr1-935851-T-C. GRCh37 (hg19) VCF-style: chr1-871231-T-C.
Other names: c.922T>C, p.Cys308Arg (NM_001385640.1); c.385T>C, p.Cys129Arg (NM_152486.4); short protein forms C129R, C308R.
Identifiers: ClinVar variation 1059598 (VCV001059598.9), dbSNP rs2100330325, ClinGen allele CA337797744.